The following is an entry in ClinVar:

NM_001458.5(FLNC):c.2807A>T (p.Gln936Leu)

Gene: FLNC (filamin C; plus strand). Cytogenetic location: 7q32.1.
Variant type: single nucleotide variant.
Coding change: c.2807A>T on transcript NM_001458.5 (MANE Select); coding-DNA position 2807, A replaced by T.
Protein change: p.Gln936Leu; replaces glutamine 936 with leucine.
Molecular consequence: missense variant.
Genome position (GRCh38, 1-based): chr7:128,843,573, A>T. VCF-style: chr7-128843573-A-T. GRCh37 (hg19) VCF-style: chr7-128483627-A-T.
Other names: c.2807A>T, p.Gln936Leu (NM_001127487.2); short protein forms Q936L.
Identifiers: ClinVar variation 1421488 (VCV001421488.8), dbSNP rs2128936027, ClinGen allele CA369193320.

ClinVar aggregate classification (germline): Uncertain significance (1 of 4 stars; one submission).

Conditions:
Myofibrillar myopathy 5. Also called: FILAMINOPATHY, AUTOSOMAL DOMINANT; Filaminopathy (type). Identifiers: Orphanet 171445, MedGen C1836050, MONDO:0012289, OMIM 609524.
Distal myopathy with posterior leg and anterior hand involvement. Also called: WILLIAMS DISTAL MYOPATHY. Identifiers: Orphanet 63273, MedGen C3279722, MONDO:0013550, OMIM 614065.
Hypertrophic cardiomyopathy 26. Also called: Cardiomyopathy, familial hypertrophic, 26. Identifiers: Orphanet 75249, MedGen C4310749, MONDO:0014883, OMIM 617047.

Submission:

Labcorp Genetics (formerly Invitae), Labcorp
Classification: Uncertain significance for Distal myopathy with posterior leg and anterior hand involvement; Myofibrillar myopathy 5; Hypertrophic cardiomyopathy 26. Last evaluated: 2024-02-24. Review status: criteria provided, single submitter. Criteria: Invitae Variant Classification Sherloc (09022015). Collection method: clinical testing. Allele origin: germline.
Comment: This sequence change replaces glutamine, which is neutral and polar, with leucine, which is neutral and non-polar, at codon 936 of the FLNC protein (p.Gln936Leu). This variant is not present in population databases (gnomAD no frequency). This variant has not been reported in the literature in individuals affected with FLNC-related conditions. ClinVar contains an entry for this variant (Variation ID: 1421488). Advanced modeling of protein sequence and biophysical properties (such as structural, functional, and spatial information, amino acid conservation, physicochemical variation, residue mobility, and thermodynamic stability) has been performed at Invitae for this missense variant, however the output from this modeling did not meet the statistical confidence thresholds required to predict the impact of this variant on FLNC protein function. In summary, the available evidence is currently insufficient to determine the role of this variant in disease. Therefore, it has been classified as a Variant of Uncertain Significance.